The following is an entry in ClinVar:

ClinVar aggregate classification (germline): Uncertain significance. Review status: criteria provided, multiple submitters, no conflicts (2 of 4 stars). 8 submissions from 8 submitters: Uncertain significance (7). 1 of the submissions does not count toward it. Last evaluated 2026-08-06.

Conditions:
Ehlers-Danlos syndrome (EDS). Identifiers: Orphanet 98249, MedGen C0013720, MONDO:0020066.
Ehlers-Danlos syndrome, dermatosparaxis type. Also called: Dermatosparaxis; Ehlers-Danlos syndrome, type VII, autosomal recessive; EDS VIIC. Identifiers: Orphanet 1901, MedGen C2700425, MONDO:0009161, OMIM 225410.

Allele frequency attached by ClinVar (database versions not stated): gnomAD 0.00004; TOPMed 0.00006; gnomAD exomes 0.00011.
gnomAD v4.1: 111 of 1,133,428 alleles (0.0098%); highest among the groups gnomAD compares: Non-Finnish European, 0.011%; no homozygotes.

Submissions (8):

OLLIN Analises Genomicas, OLLIN
Classification: Uncertain significance for Ehlers-Danlos syndrome, dermatosparaxis type. Last evaluated: 2026-08-06. Review status: criteria provided, single submitter. Criteria: ACMG Guidelines 2015 PMID 25741868. Collection method: clinical testing. Allele origin: germline. Inheritance: Autosomal recessive inheritance.
Comment: This missense variant, located in exon 1 (of 22), has been reported in ClinVar (accession VCV000392232.35) and in gnomAD with an allele frequency of 0.0098%. However, to our knowledge, it has not been reported in the scientific literature. In silico analysis predicts that this variant has a tolerated effect. According to the currently available evidence, this variant has been classified as uncertain significance (PM2_P, BP4_M).

Women's Health and Genetics/Laboratory Corporation of America, LabCorp
Classification: Uncertain significance. Last evaluated: 2026-01-27. Review status: criteria provided, single submitter. Criteria: LabCorp Variant Classification Summary - May 2015. Collection method: clinical testing. Allele origin: germline.
Comment: Variant summary: ADAMTS2 c.110C>T (p.Ala37Val) results in a non-conservative amino acid change in the encoded protein sequence. Algorithms developed to predict the effect of missense changes on protein structure and function are either unavailable or do not agree on the potential impact of this missense change. The variant was absent in 748 control chromosomes. The available data on variant occurrences in the general population are insufficient to allow any conclusion about variant significance. To our knowledge, no occurrence of c.110C>T in individuals affected with ADAMTS2-related conditions and no experimental evidence demonstrating its impact on protein function have been reported. ClinVar contains an entry for this variant (Variation ID: 392232). Based on the evidence outlined above, the variant was classified as uncertain significance.

CeGaT Center for Human Genetics Tuebingen
Classification: Uncertain significance. Last evaluated: 2022-04-01. Review status: criteria provided, single submitter. Criteria: CeGaT Center For Human Genetics Tuebingen Variant Classification Criteria Version 2. Collection method: clinical testing. Allele origin: germline. Affected: yes. Observed: 1 variant allele.

Labcorp Genetics (formerly Invitae), Labcorp
Classification: Uncertain significance for Ehlers-Danlos syndrome, dermatosparaxis type. Last evaluated: 2022-02-18. Review status: criteria provided, single submitter. Criteria: Invitae Variant Classification Sherloc (09022015). Collection method: clinical testing. Allele origin: germline.
Comment: This sequence change replaces alanine, which is neutral and non-polar, with valine, which is neutral and non-polar, at codon 37 of the ADAMTS2 protein (p.Ala37Val). This variant is not present in population databases (gnomAD no frequency). This variant has not been reported in the literature in individuals affected with ADAMTS2-related conditions. ClinVar contains an entry for this variant (Variation ID: 392232). Algorithms developed to predict the effect of missense changes on protein structure and function are either unavailable or do not agree on the potential impact of this missense change (SIFT: "Tolerated"; PolyPhen-2: "Not Available"; Align-GVGD: "Class C0"). Algorithms developed to predict the effect of sequence changes on RNA splicing suggest that this variant may create or strengthen a splice site. In summary, the available evidence is currently insufficient to determine the role of this variant in disease. Therefore, it has been classified as a Variant of Uncertain Significance.

GeneDx
Classification: Uncertain significance. Last evaluated: 2021-08-03. Review status: criteria provided, single submitter. Criteria: GeneDx Variant Classification Process June 2021. Collection method: clinical testing. Allele origin: germline. Affected: yes.
Comment: Has not been previously published as pathogenic or benign to our knowledge; Not observed at significant frequency in large population cohorts (Lek et al., 2016); In silico analysis supports that this missense variant does not alter protein structure/function; This variant is associated with the following publications: (PMID: 26582918)

Genome Diagnostics Laboratory, The Hospital for Sick Children
Classification: Uncertain significance for Ehlers-Danlos syndrome. Last evaluated: 2021-06-09. Review status: criteria provided, single submitter. Criteria: ACMG Guidelines, 2015. Collection method: clinical testing. Allele origin: germline.

Fulgent Genetics
Classification: Uncertain significance for Ehlers-Danlos syndrome, dermatosparaxis type. Last evaluated: 2018-10-31. Review status: criteria provided, single submitter. Criteria: ACMG Guidelines, 2015. Collection method: clinical testing. Allele origin: unknown.

Natera, Inc.
Classification: Uncertain significance for Ehlers-Danlos syndrome type VIIC. Last evaluated: 2020-01-24. Review status: no assertion criteria provided. Collection method: clinical testing. Allele origin: germline. Not counted in ClinVar's aggregate classification.

NM_014244.5(ADAMTS2):c.110C>T (p.Ala37Val)

Gene: ADAMTS2 (ADAM metallopeptidase with thrombospondin type 1 motif 2; minus strand). Cytogenetic location: 5q35.3.
Variant type: single nucleotide variant.
Coding change: c.110C>T on transcript NM_014244.5 (MANE Select); coding-DNA position 110, C replaced by T.
Protein change: p.Ala37Val; replaces alanine 37 with valine.
Molecular consequence: missense variant.
Genome position (GRCh38, 1-based): chr5:179,345,219, G>A on the plus strand (C>T on the coding strand, the complement: ADAMTS2 is on the minus strand). VCF-style: chr5-179345219-G-A. GRCh37 (hg19) VCF-style: chr5-178772220-G-A.
Other names: c.110C>T, p.Ala37Val (NM_021599.4); short protein forms A37V.
Identifiers: ClinVar variation 392232 (VCV000392232.37), dbSNP rs1057524401, ClinGen allele CA16604938.